The following is an entry in ClinVar:

NM_033045.4(KRT84):c.663G>T (p.Leu221=)

Gene: KRT84 (keratin 84; minus strand). Cytogenetic location: 12q13.13.
Variant type: single nucleotide variant.
Coding change: c.663G>T on transcript NM_033045.4 (MANE Select); coding-DNA position 663, G replaced by T.
Protein change: p.Leu221=; no amino-acid change (leucine 221 retained).
Molecular consequence: synonymous variant.
Genome position (GRCh38, 1-based): chr12:52,383,682, C>A on the plus strand (G>T on the coding strand, the complement: KRT84 is on the minus strand). VCF-style: chr12-52383682-C-A. GRCh37 (hg19) VCF-style: chr12-52777466-C-A.
Identifiers: ClinVar variation 2643015 (VCV002643015.24), dbSNP rs138204915, ClinGen allele CA6578876.

ClinVar aggregate classification (germline): Likely benign (1 of 4 stars; one submission).

Allele frequency attached by ClinVar (database versions not stated): TOPMed 0.00179; ESP Exome Variant Server 0.00192; gnomAD 0.00205; ExAC 0.00280; 1000 Genomes Project 0.00140; 1000 Genomes Project 30x 0.00141.
gnomAD v4.1: 4,402 of 1,614,204 alleles (0.27%); highest among the groups gnomAD compares: South Asian, 0.33%; 11 homozygotes.

Submission:

CeGaT Center for Human Genetics Tuebingen
Classification: Likely benign. Last evaluated: 2022-11-01. Review status: criteria provided, single submitter. Criteria: CeGaT Center For Human Genetics Tuebingen Variant Classification Criteria Version 2. Collection method: clinical testing. Allele origin: germline. Affected: yes. Observed: 1 variant allele.
Comment: KRT84: BP4, BP7, BS2